The following is an entry in ClinVar:

NM_153252.5(BRWD3):c.2464A>G (p.Ser822Gly)

Gene: BRWD3 (bromodomain and WD repeat domain containing 3; minus strand). Cytogenetic location: Xq21.1.
Variant type: single nucleotide variant.
Coding change: c.2464A>G on transcript NM_153252.5 (MANE Select); coding-DNA position 2464, A replaced by G.
Protein change: p.Ser822Gly; replaces serine 822 with glycine.
Molecular consequence: missense variant.
Genome position (GRCh38, 1-based): chrX:80,709,439, T>C on the plus strand (A>G on the coding strand, the complement: BRWD3 is on the minus strand). VCF-style: chrX-80709439-T-C. GRCh37 (hg19) VCF-style: chrX-79964938-T-C.
Other names: c.2464A>G (NM_153252.4); short protein forms S822G.
Identifiers: ClinVar variation 3025792 (VCV003025792.23), dbSNP rs2520282318, ClinGen allele CA413629210.

ClinVar aggregate classification (germline): Uncertain significance. Review status: criteria provided, multiple submitters, no conflicts (2 of 4 stars). 2 submissions from 2 submitters: Uncertain significance (2). Last evaluated 2024-11-12.

Conditions:
Inborn genetic diseases. Identifiers: MedGen C0950123, MeSH D030342.

Submissions (2):

Ambry Genetics
Classification: Uncertain significance for Inborn genetic diseases. Last evaluated: 2024-11-12. Review status: criteria provided, single submitter. Criteria: Ambry Variant Classification Scheme 2023. Collection method: clinical testing. Allele origin: germline.

CeGaT Center for Human Genetics Tuebingen
Classification: Uncertain significance. Last evaluated: 2023-12-01. Review status: criteria provided, single submitter. Criteria: CeGaT Center For Human Genetics Tuebingen Variant Classification Criteria Version 2. Collection method: clinical testing. Allele origin: germline. Affected: yes. Observed: 1 variant allele.
Comment: BRWD3: PM2, BP4